The following is an entry in ClinVar:

NM_005862.3(STAG1):c.2041G>C (p.Glu681Gln)

Gene: STAG1 (STAG1 cohesin complex component; minus strand). Cytogenetic location: 3q22.3.
Variant type: single nucleotide variant.
Coding change: c.2041G>C on transcript NM_005862.3 (MANE Select); coding-DNA position 2041, G replaced by C.
Protein change: p.Glu681Gln; replaces glutamic acid 681 with glutamine.
Molecular consequence: missense variant.
Genome position (GRCh38, 1-based): chr3:136,421,160, C>G on the plus strand (G>C on the coding strand, the complement: STAG1 is on the minus strand). VCF-style: chr3-136421160-C-G. GRCh37 (hg19) VCF-style: chr3-136140002-C-G.
Other names: short protein forms E681Q.
Identifiers: ClinVar variation 1810025 (VCV001810025.1), dbSNP rs2087944223, ClinGen allele CA354643496.

ClinVar aggregate classification (germline): Uncertain significance (1 of 4 stars; one submission).

Submission:

GeneDx
Classification: Uncertain significance. Last evaluated: 2022-06-27. Review status: criteria provided, single submitter. Criteria: GeneDx Variant Classification Process June 2021. Collection method: clinical testing. Allele origin: germline. Affected: yes.
Comment: Not observed at significant frequency in large population cohorts (gnomAD); In silico analysis supports that this missense variant does not alter protein structure/function; Has not been previously published as pathogenic or benign to our knowledge